The following is an entry in ClinVar:

ClinVar aggregate classification (germline): Uncertain significance (1 of 4 stars; one submission).

Submission:

Labcorp Genetics (formerly Invitae), Labcorp
Classification: Uncertain significance. Last evaluated: 2023-02-01. Review status: criteria provided, single submitter. Criteria: Invitae Variant Classification Sherloc (09022015). Collection method: clinical testing. Allele origin: germline.
Comment: This sequence change replaces serine, which is neutral and polar, with proline, which is neutral and non-polar, at codon 4123 of the FAT2 protein (p.Ser4123Pro). This variant is not present in population databases (gnomAD no frequency). This variant has not been reported in the literature in individuals affected with FAT2-related conditions. Algorithms developed to predict the effect of missense changes on protein structure and function output the following: SIFT: "Deleterious"; PolyPhen-2: "Benign"; Align-GVGD: "Class C0". The proline amino acid residue is found in multiple mammalian species, which suggests that this missense change does not adversely affect protein function. In summary, the available evidence is currently insufficient to determine the role of this variant in disease. Therefore, it has been classified as a Variant of Uncertain Significance.

NM_001447.3(FAT2):c.12367T>C (p.Ser4123Pro)

Genes: FAT2 (FAT atypical cadherin 2; minus strand), SLC36A1 (solute carrier family 36 member 1; plus strand). Cytogenetic location: 5q33.1.
Variant type: single nucleotide variant.
Coding change: c.12367T>C on transcript NM_001447.3 (MANE Select); coding-DNA position 12367, T replaced by C.
Protein change: p.Ser4123Pro; replaces serine 4123 with proline.
Molecular consequence: missense variant.
Genome position (GRCh38, 1-based): chr5:151,507,304, A>G on the plus strand (T>C on the coding strand, the complement: FAT2 is on the minus strand). VCF-style: chr5-151507304-A-G. GRCh37 (hg19) VCF-style: chr5-150886865-A-G.
Other names: short protein forms S4123P.
Identifiers: ClinVar variation 2976132 (VCV002976132.3), dbSNP rs2480863042, ClinGen allele CA361818605.